The following is an entry in ClinVar:

NM_015978.3(TNNI3K):c.1630G>T (p.Gly544Trp)

Genes: TNNI3K (TNNI3 interacting kinase; plus strand), FPGT-TNNI3K (FPGT-TNNI3K readthrough; plus strand). Cytogenetic location: 1p31.1.
Variant type: single nucleotide variant.
Coding change: c.1630G>T on transcript NM_015978.3 (MANE Select); coding-DNA position 1630, G replaced by T.
Protein change: p.Gly544Trp; replaces glycine 544 with tryptophan.
Molecular consequence: missense variant.
Genome position (GRCh38, 1-based): chr1:74,369,548, G>T. VCF-style: chr1-74369548-G-T. GRCh37 (hg19) VCF-style: chr1-74835232-G-T.
Other names: c.1933G>T, p.Gly645Trp (NM_001112808.3, NM_001199327.2); short protein forms G544W, G645W.
Identifiers: ClinVar variation 2838433 (VCV002838433.3), dbSNP rs2524471309, ClinGen allele CA340786393.

ClinVar aggregate classification (germline): Uncertain significance (1 of 4 stars; one submission).

Submission:

Labcorp Genetics (formerly Invitae), Labcorp
Classification: Uncertain significance. Last evaluated: 2023-02-17. Review status: criteria provided, single submitter. Criteria: Invitae Variant Classification Sherloc (09022015). Collection method: clinical testing. Allele origin: germline.
Comment: In summary, the available evidence is currently insufficient to determine the role of this variant in disease. Therefore, it has been classified as a Variant of Uncertain Significance. Advanced modeling of protein sequence and biophysical properties (such as structural, functional, and spatial information, amino acid conservation, physicochemical variation, residue mobility, and thermodynamic stability) performed at Invitae indicates that this missense variant is not expected to disrupt TNNI3K protein function. This variant has not been reported in the literature in individuals affected with TNNI3K-related conditions. This variant is not present in population databases (gnomAD no frequency). This sequence change replaces glycine, which is neutral and non-polar, with tryptophan, which is neutral and slightly polar, at codon 544 of the TNNI3K protein (p.Gly544Trp).